The following is an entry in ClinVar:

ClinVar aggregate classification (germline): Benign (1 of 4 stars; one submission).

Conditions:
Papillary renal cell carcinoma type 1 (RCCP1). Also called: Renal adenocarcinoma; Renal cell carcinoma 1; Renal cell carcinoma, somatic; RENAL CELL CARCINOMA, PAPILLARY, 1, SOMATIC. Identifiers: Orphanet 47044, MedGen C1336839, OMIM 605074, HP:0011797.

Submission:

Myriad Genetics, Inc.
Classification: Benign for Papillary renal cell carcinoma type 1. Last evaluated: 2024-11-07. Review status: criteria provided, single submitter. Criteria: Myriad Autosomal Dominant, Autosomal Recessive and X-Linked Classification Criteria (2023). Collection method: clinical testing. Allele origin: unknown.
Comment: This variant is considered benign. This variant is a silent/synonymous amino acid change and it is not expected to impact splicing.

NM_000245.4(MET):c.1329C>T (p.Ser443=)

Gene: MET (MET proto-oncogene, receptor tyrosine kinase; plus strand). Cytogenetic location: 7q31.2.
Variant type: single nucleotide variant.
Coding change: c.1329C>T on transcript NM_000245.4 (MANE Select); coding-DNA position 1329, C replaced by T.
Protein change: p.Ser443=; no amino-acid change (serine 443 retained).
Molecular consequence: synonymous variant.
Genome position (GRCh38, 1-based): chr7:116,731,796, C>T. VCF-style: chr7-116731796-C-T. GRCh37 (hg19) VCF-style: chr7-116371850-C-T.
Other names: c.1329C>T, p.Ser443= (NM_001127500.3, NM_001324401.3); c.39C>T, p.Ser13= (NM_001324402.2).
Identifiers: ClinVar variation 3773133 (VCV003773133.1).
Genomic context (GRCh38, chr7:116,731,796, plus strand): 5'-TTTGCAGCGCGTTGACTTATTCATGGGTCAATTCAGCGAAGTCCTCTTAACATCTATATC[C>T]ACCTTCATTAAAGGAGACCTCACCATAGCTAATCTTGGGACATCAGAGGGTCGCTTCATG-3'
Protein context (NP_000236.2, residues 433-453): QFSEVLLTSI[Ser443=]TFIKGDLTIA